The following is an entry in ClinVar:

ClinVar aggregate classification (germline): Likely benign (1 of 4 stars; one submission).

Submission:

CeGaT Center for Human Genetics Tuebingen
Classification: Likely benign. Last evaluated: 2022-12-01. Review status: criteria provided, single submitter. Criteria: CeGaT Center For Human Genetics Tuebingen Variant Classification Criteria Version 2. Collection method: clinical testing. Allele origin: germline. Affected: yes. Observed: 1 variant allele.
Comment: SMURF2: PM2:Supporting, BP4, BP7

NM_022739.4(SMURF2):c.51A>G (p.Thr17=)

Genes: SMURF2 (SMAD specific E3 ubiquitin protein ligase 2; minus strand), LOC130061444 (ATAC-STARR-seq lymphoblastoid silent region 8845; plus strand). Cytogenetic location: 17q24.1.
Variant type: single nucleotide variant.
Coding change: c.51A>G on transcript NM_022739.4 (MANE Select); coding-DNA position 51, A replaced by G.
Protein change: p.Thr17=; no amino-acid change (threonine 17 retained).
Molecular consequence: synonymous variant.
Genome position (GRCh38, 1-based): chr17:64,661,830, T>C on the plus strand (A>G on the coding strand, the complement: SMURF2 is on the minus strand). VCF-style: chr17-64661830-T-C. GRCh37 (hg19) VCF-style: chr17-62657948-T-C.
Identifiers: ClinVar variation 2648101 (VCV002648101.24), dbSNP rs2509214492, ClinGen allele CA501552330.
Genomic context (GRCh38, chr17:64,661,830, plus strand): 5'-ACCCCCCGCCAGCTCGCCCACCCCGCGGCTGCCCAGCCCGGCCCGCCGCCCCCCCTCACC[T>C]GTCAGGCGCAGCTTGACGGGCCCGTTCCTCCGGCCTCCGGGGTTAGACATGTCCCCGGCG-3'
Protein context (NP_073576.1, residues 7-27): RRNGPVKLRL[Thr17=]VLCAKNLVKK